The following is an entry in ClinVar:

ClinVar aggregate classification (germline): Uncertain significance. Review status: criteria provided, multiple submitters, no conflicts (2 of 4 stars). 2 submissions from 2 submitters: Uncertain significance (2). Last evaluated 2026-03-05.

Conditions:
MYO15A-related disorder. Also called: MYO15A-related condition.
Inborn genetic diseases. Identifiers: MedGen C0950123, MeSH D030342.

gnomAD v4.1: 5 of 1,613,882 alleles (0.00031%); highest among the groups gnomAD compares: African/African-American, 0.0053%; no homozygotes.

Submissions (2):

PreventionGenetics, part of Exact Sciences
Classification: Uncertain significance for MYO15A-related condition. Last evaluated: 2026-03-05. Review status: criteria provided, single submitter. Criteria: ACMG Guidelines, 2015. Collection method: clinical testing. Allele origin: germline.
Comment: The MYO15A c.7694A>G variant is predicted to result in the amino acid substitution p.Asn2565Ser. To our knowledge, this variant has not been reported in the literature. This variant is reported in 0.012% of alleles in individuals of African descent in gnomAD. At this time, the clinical significance of this variant is uncertain due to the absence of conclusive functional and genetic evidence.

Ambry Genetics
Classification: Uncertain significance for Inborn genetic diseases. Last evaluated: 2025-01-20. Review status: criteria provided, single submitter. Criteria: Ambry Variant Classification Scheme 2023. Collection method: clinical testing. Allele origin: germline.

NM_016239.4(MYO15A):c.7694A>G (p.Asn2565Ser)

Gene: MYO15A (myosin XVA; plus strand). Cytogenetic location: 17p11.2.
Variant type: single nucleotide variant.
Coding change: c.7694A>G on transcript NM_016239.4 (MANE Select); coding-DNA position 7694, A replaced by G.
Protein change: p.Asn2565Ser; replaces asparagine 2565 with serine.
Molecular consequence: missense variant.
Genome position (GRCh38, 1-based): chr17:18,151,434, A>G. VCF-style: chr17-18151434-A-G. GRCh37 (hg19) VCF-style: chr17-18054748-A-G.
Other names: short protein forms N2565S.
Identifiers: ClinVar variation 3876657 (VCV003876657.2).